The following is an entry in ClinVar:

NM_001040142.2(SCN2A):c.4989C>T (p.Ile1663=)

Gene: SCN2A (sodium voltage-gated channel alpha subunit 2; plus strand). Cytogenetic location: 2q24.3.
Variant type: single nucleotide variant.
Coding change: c.4989C>T on transcript NM_001040142.2 (MANE Select); coding-DNA position 4989, C replaced by T.
Protein change: p.Ile1663=; no amino-acid change (isoleucine 1663 retained).
Molecular consequence: synonymous variant.
Genome position (GRCh38, 1-based): chr2:165,388,795, C>T. VCF-style: chr2-165388795-C-T. GRCh37 (hg19) VCF-style: chr2-166245305-C-T.
Other names: c.4989C>T, p.Ile1663= (NM_001040143.2, NM_001371246.1, NM_001371247.1 and 1 more transcripts).
Identifiers: ClinVar variation 331736 (VCV000331736.24), dbSNP rs373347369, ClinGen allele CA1940356.

ClinVar aggregate classification (germline): Benign/Likely benign. Review status: criteria provided, multiple submitters, no conflicts (2 of 4 stars). 6 submissions from 6 submitters: Benign (4); Likely benign (2). Last evaluated 2026-07-01.

Conditions:
Seizures, benign familial infantile, 3 (BFIS3). Also called: CONVULSIONS, BENIGN FAMILIAL INFANTILE, 3; Familial neonatal seizures. Identifiers: Orphanet 140927, Orphanet 306, MedGen C1843140, MONDO:0011904, OMIM 607745.
Developmental and epileptic encephalopathy, 11 (DEE11). Also called: Early infantile epileptic encephalopathy 11. Identifiers: Orphanet 1934, MedGen C3150987, MONDO:0013388, OMIM 613721.
Inborn genetic diseases. Identifiers: MedGen C0950123, MeSH D030342.

Allele frequency attached by ClinVar (database versions not stated): gnomAD exomes 0.00006 and 0.00031; ESP Exome Variant Server 0.00008; gnomAD 0.00010 and 0.00011; TOPMed 0.00018; ExAC 0.00030.
gnomAD v4.1: 104 of 1,614,102 alleles (0.0064%); highest among the groups gnomAD compares: Admixed American, 0.15%; no homozygotes.

Submissions (6):

CeGaT Center for Human Genetics Tuebingen
Classification: Likely benign. Last evaluated: 2026-07-01. Review status: criteria provided, single submitter. Criteria: CeGaT Center For Human Genetics Tuebingen Variant Classification Criteria Version 2. Collection method: clinical testing. Allele origin: germline. Affected: yes. Observed: 1 variant allele.
Comment: SCN2A: BP4, BP7

Labcorp Genetics (formerly Invitae), Labcorp
Classification: Benign for Seizures, benign familial infantile, 3; Developmental and epileptic encephalopathy, 11. Last evaluated: 2026-01-19. Review status: criteria provided, single submitter. Criteria: Invitae Variant Classification Sherloc (09022015). Collection method: clinical testing. Allele origin: germline.

Illumina Laboratory Services, Illumina
Classification: Benign for Seizures, benign familial infantile, 3. Last evaluated: 2018-01-13. Review status: criteria provided, single submitter. Criteria: ICSL Variant Classification Criteria 13 December 2019. Collection method: clinical testing. Allele origin: germline.
Comment: This variant was observed in the ICSL laboratory as part of a predisposition screen in an ostensibly healthy population. It had not been previously curated by ICSL or reported in the Human Gene Mutation Database (HGMD: prior to June 1st, 2018), and was therefore a candidate for classification through an automated scoring system. Utilizing variant allele frequency, disease prevalence and penetrance estimates, and inheritance mode, an automated score was calculated to assess if this variant is too frequent to cause the disease. Based on the score and internal cut-off values, a variant classified as benign is not then subjected to further curation. The score for this variant resulted in a classification of benign for this disease.

Genetic Services Laboratory, University of Chicago
Classification: Benign. Last evaluated: 2017-09-07. Review status: criteria provided, single submitter. Criteria: ACMG Guidelines, 2015. Collection method: clinical testing. Allele origin: germline. Affected: no.

Ambry Genetics
Classification: Likely benign for Inborn genetic diseases. Last evaluated: 2016-08-16. Review status: criteria provided, single submitter. Criteria: Ambry Variant Classification Scheme 2023. Collection method: clinical testing. Allele origin: germline.

GeneDx
Classification: Benign. Last evaluated: 2015-09-10. Review status: criteria provided, single submitter. Criteria: GeneDx Variant Classification (06012015). Collection method: clinical testing. Allele origin: germline. Affected: yes.
Comment: This variant is considered likely benign or benign based on one or more of the following criteria: it is a conservative change, it occurs at a poorly conserved position in the protein, it is predicted to be benign by multiple in silico algorithms, and/or has population frequency not consistent with disease.